The following is an entry in ClinVar:

NM_004183.4(BEST1):c.671T>A (p.Leu224Gln)

Gene: BEST1 (bestrophin 1; plus strand). Cytogenetic location: 11q12.3.
Variant type: single nucleotide variant.
Coding change: c.671T>A on transcript NM_004183.4 (MANE Select); coding-DNA position 671, T replaced by A.
Protein change: p.Leu224Gln; replaces leucine 224 with glutamine.
Molecular consequence: missense variant. On other transcripts: non-coding transcript variant (1).
Genome position (GRCh38, 1-based): chr11:61,957,421, T>A. VCF-style: chr11-61957421-T-A. GRCh37 (hg19) VCF-style: chr11-61724893-T-A.
Other names: c.491T>A, p.Leu164Gln (NM_001139443.3, NM_001300786.2, NM_001300787.2); c.353T>A, p.Leu118Gln (NM_001363591.3); c.671T>A, p.Leu224Gln (NM_001363592.2); c.-505T>A (NM_001363593.3); short protein forms L224Q, L164Q, L118Q.
Identifiers: ClinVar variation 429426 (VCV000429426.3), dbSNP rs281865243, ClinGen allele CA380838625.

ClinVar aggregate classification (germline): Likely pathogenic. Review status: criteria provided, multiple submitters, no conflicts (2 of 4 stars). 2 submissions from 2 submitters: Likely pathogenic (2). Last evaluated 2025-08-25.

Submissions (2):

Labcorp Genetics (formerly Invitae), Labcorp
Classification: Likely pathogenic. Last evaluated: 2025-08-25. Review status: criteria provided, single submitter. Criteria: Invitae Variant Classification Sherloc (09022015). Collection method: clinical testing. Allele origin: germline.
Comment: This sequence change replaces leucine, which is neutral and non-polar, with glutamine, which is neutral and polar, at codon 224 of the BEST1 protein (p.Leu224Gln). This variant is not present in population databases (gnomAD no frequency). This missense change has been observed in individual(s) with clinical features of autosomal dominant macular dystrophy (internal data). This variant has been reported in individual(s) with autosomal recessive bestrophinopathy (PMID: 34015078); however, the role of the variant in this condition is currently unclear. ClinVar contains an entry for this variant (Variation ID: 429426). Invitae Evidence Modeling of protein sequence and biophysical properties (such as structural, functional, and spatial information, amino acid conservation, physicochemical variation, residue mobility, and thermodynamic stability) indicates that this missense variant is expected to disrupt BEST1 protein function with a positive predictive value of 95%. This variant disrupts the p.Leu224 amino acid residue in BEST1. Other variant(s) that disrupt this residue have been determined to be pathogenic (PMID: 10798642, 32239196; internal data). This suggests that this residue is clinically significant, and that variants that disrupt this residue are likely to be disease-causing. In summary, the currently available evidence indicates that the variant is pathogenic, but additional data are needed to prove that conclusively. Therefore, this variant has been classified as Likely Pathogenic.

GeneDx
Classification: Likely pathogenic. Last evaluated: 2015-08-18. Review status: criteria provided, single submitter. Criteria: GeneDx Variant Classification (06012015). Collection method: clinical testing. Allele origin: germline. Affected: yes.
Comment: The L224Q variant has not been published as a pathogenic variant, nor has it been reported as a benign polymorphism to our knowledge. The L224Q variant was not observed in approximately 6,500 individuals of European and African American ancestry in the NHLBI Exome Sequencing Project, indicating it is not a common benign variant in these populations. The L224Q variant is a non-conservative amino acid substitution, which is likely to impact secondary protein structure as these residues differ in polarity, charge, size and/or other properties. This substitution occurs at a position that is conserved across species. In silico analysis predicts this variant is probably damaging to the protein structure/function. Missense variants in this residue and in nearby residues (L224M, L224P, R218G, R218S, R218C, R218H, Q220P, C221F, C221W, G222V, G222E, Y227N, Y227C, Y227F, D228N, I230T, I230N, S231T, S231R, I232N) have been reported in the Human Gene Mutation Database in association with BEST1-related disorders (Stenson et al., 2014), supporting the functional importance of this region of the protein. Therefore, based on the currently available information, L224Q is a candidate for a disease-causing variant, although the possibility that L224Q is a benign polymorphism cannot be completely excluded.

Literature cited by the submitters: PubMed 34015078 (cited by Labcorp Genetics (formerly Invitae), Labcorp); PubMed 10798642 (cited by Labcorp Genetics (formerly Invitae), Labcorp); PubMed 32239196 (cited by Labcorp Genetics (formerly Invitae), Labcorp).